The following is an entry in ClinVar:

ClinVar aggregate classification (germline): Uncertain significance (1 of 4 stars; one submission).

Conditions:
Developmental and epileptic encephalopathy, 14 (DEE14). Also called: Early infantile epileptic encephalopathy 14. Identifiers: Orphanet 293181, MedGen C3554195, MONDO:0013989, OMIM 614959.

Submission:

Neuberg Centre For Genomic Medicine, NCGM
Classification: Uncertain significance for Developmental and epileptic encephalopathy, 14. Review status: criteria provided, single submitter. Criteria: ACMG Guidelines, 2015. Collection method: clinical testing. Allele origin: germline. Affected: yes.
Comment: The missense variant p.H844L in KCNT1 (NM_020822.3) has not been reported previously as a pathogenic variant nor as a benign variant, to our knowledge. The p.H844L variant is novel (not in any individuals) in gnomAD Exomes and is novel (not in any individuals) in 1000 Genomes. In silico predictions are conflicting: SIFT-Damaging, Polyphen-2-Tolerated and the residue is conserved over species. For these reasons, this variant has been classified as Uncertain Significance.

NM_020822.3(KCNT1):c.2531A>T (p.His844Leu)

Gene: KCNT1 (potassium sodium-activated channel subfamily T member 1; plus strand). Cytogenetic location: 9q34.3.
Variant type: single nucleotide variant.
Coding change: c.2531A>T on transcript NM_020822.3 (MANE Select); coding-DNA position 2531, A replaced by T.
Protein change: p.His844Leu; replaces histidine 844 with leucine.
Molecular consequence: missense variant.
Genome position (GRCh38, 1-based): chr9:135,778,432, A>T. VCF-style: chr9-135778432-A-T. GRCh37 (hg19) VCF-style: chr9-138670278-A-T.
Other names: c.2396A>T, p.His799Leu (NM_001272003.2); short protein forms H799L, H844L.
Identifiers: ClinVar variation 1339179 (VCV001339179.2), dbSNP rs1833337197, ClinGen allele CA375513847.